The following is an entry in ClinVar:

ClinVar aggregate classification (germline): Likely pathogenic (1 of 4 stars; one submission).

Conditions:
RYR1-related disorder. Also called: RYR1-related condition; RYR1-related disorders. Identifiers: MedGen CN239331.

Submission:

Labcorp Genetics (formerly Invitae), Labcorp
Classification: Likely pathogenic for RYR1-related disorder. Last evaluated: 2025-07-09. Review status: criteria provided, single submitter. Criteria: Invitae Variant Classification Sherloc (09022015). Collection method: clinical testing. Allele origin: germline.
Comment: This sequence change replaces serine, which is neutral and polar, with arginine, which is basic and polar, at codon 4867 of the RYR1 protein (p.Ser4867Arg). This variant is not present in population databases (gnomAD no frequency). This missense change has been observed in individual(s) with autosomal recessive multiminicore disease (PMID: 23919265). In at least one individual the data is consistent with being in trans (on the opposite chromosome) from a pathogenic variant. It has also been observed to segregate with disease in related individuals. Invitae Evidence Modeling of protein sequence and biophysical properties (such as structural, functional, and spatial information, amino acid conservation, physicochemical variation, residue mobility, and thermodynamic stability) has been performed for this missense variant. However, the output from this modeling did not meet the statistical confidence thresholds required to predict the impact of this variant on RYR1 protein function. This variant disrupts the p.Ser4867 amino acid residue in RYR1. Other variant(s) that disrupt this residue have been determined to be pathogenic (internal data). This suggests that this residue is clinically significant, and that variants that disrupt this residue are likely to be disease-causing. In summary, the currently available evidence indicates that the variant is pathogenic, but additional data are needed to prove that conclusively. Therefore, this variant has been classified as Likely Pathogenic.

Literature cited by the submitters: PubMed 23919265.

NM_000540.3(RYR1):c.14601C>A (p.Ser4867Arg)

Gene: RYR1 (ryanodine receptor 1; plus strand). Cytogenetic location: 19q13.2.
Variant type: single nucleotide variant.
Coding change: c.14601C>A on transcript NM_000540.3 (MANE Select); coding-DNA position 14601, C replaced by A.
Protein change: p.Ser4867Arg; replaces serine 4867 with arginine.
Molecular consequence: missense variant.
Genome position (GRCh38, 1-based): chr19:38,580,459, C>A. VCF-style: chr19-38580459-C-A. GRCh37 (hg19) VCF-style: chr19-39071099-C-A.
Other names: c.14586C>A, p.Ser4862Arg (NM_001042723.2); short protein forms S4862R, S4867R.
Identifiers: ClinVar variation 4710547 (VCV004710547.1).